The following is an entry in ClinVar:

NM_001166114.2(PNPLA6):c.1585A>G (p.Ile529Val)

Gene: PNPLA6 (patatin like domain 6, lysophospholipase; plus strand). Cytogenetic location: 19p13.2.
Variant type: single nucleotide variant.
Coding change: c.1585A>G on transcript NM_001166114.2 (MANE Select); coding-DNA position 1585, A replaced by G.
Protein change: p.Ile529Val; replaces isoleucine 529 with valine.
Molecular consequence: missense variant. On other transcripts: intron variant (1).
Genome position (GRCh38, 1-based): chr19:7,543,061, A>G. VCF-style: chr19-7543061-A-G. GRCh37 (hg19) VCF-style: chr19-7607947-A-G.
Other names: c.1612A>G, p.Ile538Val (NM_001166111.2); c.1468A>G, p.Ile490Val (NM_001166113.1, NM_006702.5); c.1413+133A>G (NM_001166112.2); short protein forms I529V, I538V, I490V.
Identifiers: ClinVar variation 1471794 (VCV001471794.8), dbSNP rs756934322, ClinGen allele CA403115035.
Genomic context (GRCh38, chr19:7,543,061, plus strand): 5'-CCCCAGGACCCCTCCCTCCTGAACAGCAGAGTCTTGCTGCACCACGCCAAAGCTGGCACC[A>G]TCATTGCCCGCCAGGGAGACCAGGTGAGGCTGACCCCTGACCTGTAACCATGCCACCTGA-3'
Protein context (NP_001159586.1, residues 519-539): VLLHHAKAGT[Ile529Val]IARQGDQDVS

ClinVar aggregate classification (germline): Uncertain significance (1 of 4 stars; one submission).

Conditions:
Hereditary spastic paraplegia 39 (SPG39). Also called: Spastic Paraplegia Type 39 (SPG39); SPASTIC PARAPLEGIA 39, AUTOSOMAL RECESSIVE. Identifiers: Orphanet 139480, MedGen C2677586, MONDO:0012787, OMIM 612020.

Submission:

Labcorp Genetics (formerly Invitae), Labcorp
Classification: Uncertain significance for Hereditary spastic paraplegia 39. Last evaluated: 2021-02-08. Review status: criteria provided, single submitter. Criteria: Invitae Variant Classification Sherloc (09022015). Collection method: clinical testing. Allele origin: germline.
Comment: This sequence change replaces isoleucine with valine at codon 490 of the PNPLA6 protein (p.Ile490Val). The isoleucine residue is weakly conserved and there is a small physicochemical difference between isoleucine and valine. This variant is not present in population databases (ExAC no frequency). This variant has not been reported in the literature in individuals with PNPLA6-related conditions. Algorithms developed to predict the effect of missense changes on protein structure and function output the following: SIFT: "Tolerated"; PolyPhen-2: "Benign"; Align-GVGD: "Class C0". The valine amino acid residue is found in multiple mammalian species, suggesting that this missense change does not adversely affect protein function. These predictions have not been confirmed by published functional studies and their clinical significance is uncertain. In summary, the available evidence is currently insufficient to determine the role of this variant in disease. Therefore, it has been classified as a Variant of Uncertain Significance.